The following is an entry in ClinVar:

ClinVar aggregate classification (germline): Uncertain significance (1 of 4 stars; one submission).

Conditions:
Myasthenic syndrome, congenital, 22 (CMS22). Also called: PREPL DEFICIENCY. Identifiers: MedGen C4479088, MONDO:0044299, OMIM 616224.

Allele frequency attached by ClinVar (database versions not stated): gnomAD exomes 0.00001; gnomAD 0.00003; TOPMed 0.00003.
gnomAD v4.1: 11 of 1,613,976 alleles (0.00068%); highest among the groups gnomAD compares: African/African-American, 0.008%; no homozygotes.

Submission:

Labcorp Genetics (formerly Invitae), Labcorp
Classification: Uncertain significance for Myasthenic syndrome, congenital, 22. Last evaluated: 2022-07-14. Review status: criteria provided, single submitter. Criteria: Invitae Variant Classification Sherloc (09022015). Collection method: clinical testing. Allele origin: germline.
Comment: This sequence change replaces histidine, which is basic and polar, with arginine, which is basic and polar, at codon 297 of the PREPL protein (p.His297Arg). This variant is present in population databases (no rsID available, gnomAD 0.007%). This variant has not been reported in the literature in individuals affected with PREPL-related conditions. Algorithms developed to predict the effect of missense changes on protein structure and function (SIFT, PolyPhen-2, Align-GVGD) all suggest that this variant is likely to be tolerated. In summary, the available evidence is currently insufficient to determine the role of this variant in disease. Therefore, it has been classified as a Variant of Uncertain Significance.

NM_001171613.2(PREPL):c.623A>G (p.His208Arg)

Gene: PREPL (prolyl endopeptidase like; minus strand). Cytogenetic location: 2p21.
Variant type: single nucleotide variant.
Coding change: c.623A>G on transcript NM_001171613.2 (MANE Select); coding-DNA position 623, A replaced by G.
Protein change: p.His208Arg; replaces histidine 208 with arginine.
Molecular consequence: missense variant.
Genome position (GRCh38, 1-based): chr2:44,339,226, T>C on the plus strand (A>G on the coding strand, the complement: PREPL is on the minus strand). VCF-style: chr2-44339226-T-C. GRCh37 (hg19) VCF-style: chr2-44566365-T-C.
Other names: c.890A>G, p.His297Arg (NM_001042385.2, NM_001042386.2, NM_001171603.1 and 4 more transcripts); c.623A>G, p.His208Arg (NM_001171617.1, NM_001374277.1); short protein forms H297R, H208R.
Identifiers: ClinVar variation 2198349 (VCV002198349.1), dbSNP rs1050113979, ClinGen allele CA46547442.
Genomic context (GRCh38, chr2:44,339,226, plus strand): 5'-CCAACATTAGTGAGAATGTATAATTCATCATCTCTGTGTTCAACATAGTAAAGGACCCCA[T>C]GTATTCGCTTCTGGATAAGTACTGGTGGGTCCCAAGGGCTCAGGCCATCTATCAACCACA-3'
Protein context (NP_001165084.1, residues 198-218): DPPVLIQKRI[His208Arg]GVLYYVEHRD